The following is an entry in ClinVar:

NM_006019.4(TCIRG1):c.1932del (p.Ile646fs)

Gene: TCIRG1 (T cell immune regulator 1, ATPase H+ transporting V0 subunit a3; plus strand). Cytogenetic location: 11q13.2.
Variant type: Deletion.
Coding change: c.1932del on transcript NM_006019.4 (MANE Select); coding-DNA position 1932, one base deleted (G; older notation c.1932delG).
Protein change: p.Ile646fs; shifts the reading frame from isoleucine 646.
Molecular consequence: frameshift variant.
Genome position (GRCh38, 1-based): chr11:68,049,707, G deleted. VCF-style (leftmost placement, unchanged base first): chr11-68049706-TG-T. GRCh37 (hg19) VCF-style: chr11-67817173-TG-T.
Other names: c.1038del, p.Ile348fs (NM_001351059.2); c.1932del, p.Ile646fs (NM_001440552.1, NM_001440553.1, NM_001440554.1 and 2 more transcripts); c.1890del, p.Ile632fs (NM_001440555.1, NM_001440556.1, NM_001440563.1); c.1719del, p.Ile575fs (NM_001440559.1, NM_001440560.1, NM_001440561.1 and 2 more transcripts); c.1677del, p.Ile561fs (NM_001440564.1); c.1632del, p.Ile546fs (NM_001440565.1); c.1470del, p.Ile492fs (NM_001440567.1); c.1464del, p.Ile490fs (NM_001440568.1); and 2 more; short protein forms I326fs, I348fs, I430fs, I490fs, I492fs, I546fs, I561fs, I575fs.
Identifiers: ClinVar variation 5015132 (VCV005015132.1).

ClinVar aggregate classification (germline): Pathogenic (1 of 4 stars; one submission).

Conditions:
Autosomal recessive osteopetrosis 1. Also called: ALBERS-SCHONBERG DISEASE, AUTOSOMAL RECESSIVE; TCIRG1-Related Autosomal Recessive Osteopetrosis; TCIRG1-Related Osteopetrosis. Identifiers: Orphanet 667, MedGen C1850127, MONDO:0009815, OMIM 259700.

Submission:

Myriad Genetics, Inc.
Classification: Pathogenic for Autosomal recessive osteopetrosis 1. Last evaluated: 2025-10-22. Review status: criteria provided, single submitter. Criteria: Myriad Autosomal Dominant, Autosomal Recessive and X-Linked Classification Criteria (2023). Collection method: clinical testing. Allele origin: unknown.
Comment: NM_006019.3(TCIRG1):c.1932delG(I646Sfs*41) is expected to be pathogenic in the context of autosomal recessive osteopetrosis type 1. This variant is predicted to lead to an abnormal or absent protein product due to the creation of a premature termination codon in TCIRG1, a gene where loss-of-function variants are known to be pathogenic. Please note: this variant was assessed in the context of healthy population screening.